The following is an entry in ClinVar:

ClinVar aggregate classification (germline): Pathogenic (1 of 4 stars; one submission).

Submission:

GeneDx
Classification: Pathogenic. Last evaluated: 2014-11-19. Review status: criteria provided, single submitter. Criteria: GeneDx Variant Classification (06012015). Collection method: clinical testing. Allele origin: germline. Affected: yes.
Comment: The c.1139_1142delTGAC mutation in the FH gene causes a frameshift starting with codon Methionine 380, changes this amino acid to a Threonine residue and creates a premature Stop codon at position 25 of the new reading frame, denoted p.Met380ThrfsX25. This mutation is predicted to cause loss of normal protein function either through protein truncation or nonsense-mediated mRNA decay. A nearby frameshift mutation, c.1138dupA, has been published in association with hereditary leiomyomatosis and renal cell cancer (HLRCC) (Sanz-Ortega et al., 2013). Although this mutation has not been previously reported to our knowledge, its presence is consistent with a diagnosis of HLRCC. The variant is found in FH panel(s).

NM_000143.4(FH):c.1139_1142del (p.Met380fs)

Gene: FH (fumarate hydratase; minus strand). Cytogenetic location: 1q43.
Variant type: Deletion.
Coding change: c.1139_1142del on transcript NM_000143.4 (MANE Select); coding-DNA positions 1139 to 1142, 4 bases deleted (TGAC; older notation c.1139_1142delTGAC).
Protein change: p.Met380fs; shifts the reading frame from methionine 380.
Molecular consequence: frameshift variant.
Genome position (GRCh38, 1-based): chr1:241,502,537-241,502,540, GTCA deleted on the plus strand (TGAC on the coding strand, the reverse complement: FH is on the minus strand). VCF-style (leftmost placement, unchanged base first): chr1-241502536-GGTCA-G. GRCh37 (hg19) VCF-style: chr1-241665836-GGTCA-G.
Other names: c.1139_1142delTGAC (NM_000143.3); short protein forms M380fs.
Identifiers: ClinVar variation 214401 (VCV000214401.3), dbSNP rs863223988, ClinGen allele CA324536.
Genomic context (GRCh38, chr1:241,502,536, plus strand): 5'-TCCATTGCTGCCTCCGACAGTGACAGCAACATGGTTCCCCATGACTTGGGCTGCAACCAT[GGTCA>G]TTGCTTCACACTGAGTAGGGTTCACCTTGCCTTCAAGAAAACCACCAATGACAGAGTAAA-3'